The following is an entry in ClinVar:

NM_000088.4(COL1A1):c.802A>T (p.Arg268Ter)

Genes: COL1A1 (collagen type I alpha 1 chain; minus strand), LOC126862586 (CDK7 strongly-dependent group 2 enhancer GRCh37_chr17:48273702-48274901; plus strand). Cytogenetic location: 17q21.33.
Variant type: single nucleotide variant.
Coding change: c.802A>T on transcript NM_000088.4 (MANE Select); coding-DNA position 802, A replaced by T.
Protein change: p.Arg268Ter; replaces arginine 268 with a stop codon.
Molecular consequence: nonsense.
Genome position (GRCh38, 1-based): chr17:50,197,012, T>A on the plus strand (A>T on the coding strand, the complement: COL1A1 is on the minus strand). VCF-style: chr17-50197012-T-A. GRCh37 (hg19) VCF-style: chr17-48274373-T-A.
Other names: short protein forms R268*.
Identifiers: ClinVar variation 577556 (VCV000577556.7), dbSNP rs1567762257, ClinGen allele CA400223654.

ClinVar aggregate classification (germline): Pathogenic (1 of 4 stars; one submission).

Conditions:
Osteogenesis imperfecta type I (OI1). Also called: Lobstein disease; Osteogenesis imperfecta type 1; OI, TYPE I; OSTEOGENESIS IMPERFECTA TARDA; OSTEOGENESIS IMPERFECTA WITH BLUE SCLERAE; Lobstein's Disease. Identifiers: Orphanet 216796, Orphanet 666, MedGen C0023931, MONDO:0008146, OMIM 166200. Disease mechanism: loss of function.

Submission:

Labcorp Genetics (formerly Invitae), Labcorp
Classification: Pathogenic for Osteogenesis imperfecta type I. Last evaluated: 2022-01-26. Review status: criteria provided, single submitter. Criteria: Invitae Variant Classification Sherloc (09022015). Collection method: clinical testing. Allele origin: germline.
Comment: For these reasons, this variant has been classified as Pathogenic. ClinVar contains an entry for this variant (Variation ID: 577556). This variant has not been reported in the literature in individuals affected with COL1A1-related conditions. This variant is not present in population databases (gnomAD no frequency). This sequence change creates a premature translational stop signal (p.Arg268*) in the COL1A1 gene. It is expected to result in an absent or disrupted protein product. Loss-of-function variants in COL1A1 are known to be pathogenic (PMID: 7942841, 9295084, 9443882).

Literature cited by the submitters: PubMed 7942841; PubMed 9295084; PubMed 9443882.